The following is an entry in ClinVar:

ClinVar aggregate classification (germline): Pathogenic (1 of 4 stars; one submission).

Conditions:
Hereditary angioedema type 1 (HAE1). Identifiers: Orphanet 100050, Orphanet 100051, Orphanet 91378, MedGen C2717906, MONDO:0015053, OMIM 106100.

Submission:

DNA-diagnostics Laboratory, Research Centre For Medical Genetics
Classification: Pathogenic for Hereditary angioedema type 1. Last evaluated: 2024-07-07. Review status: criteria provided, single submitter. Criteria: ACMG Guidelines, 2015. Collection method: research. Allele origin: germline. Inheritance: Autosomal dominant inheritance. Affected: yes. Observed: 2 variant alleles, 2 heterozygotes.
Comment: According to our observation and the published information of Loules et al., 2018, the c.622C>T variant in SERPING1 meets ACMG/ClinGen SVI guidance criteria to be classified as pathogenic: PVS1, PP4_Str, PS4_Mod, PM2_Sup

Literature cited by the submitters: PubMed 29753808.

NM_000062.3(SERPING1):c.622C>T (p.Gln208Ter)

Gene: SERPING1 (serpin family G member 1; plus strand). Cytogenetic location: 11q12.1.
Variant type: single nucleotide variant.
Coding change: c.622C>T on transcript NM_000062.3 (MANE Select); coding-DNA position 622, C replaced by T.
Protein change: p.Gln208Ter; replaces glutamine 208 with a stop codon.
Molecular consequence: nonsense.
Genome position (GRCh38, 1-based): chr11:57,602,106, C>T. VCF-style: chr11-57602106-C-T. GRCh37 (hg19) VCF-style: chr11-57369579-C-T.
Other names: c.622C>T, p.Gln208Ter (NM_001032295.2); short protein forms Q208*.
Identifiers: ClinVar variation 3252012 (VCV003252012.2), dbSNP rs2495431104.